The following is an entry in ClinVar:

ClinVar aggregate classification (germline): Uncertain significance (1 of 4 stars; one submission).

Conditions:
Progressive sclerosing poliodystrophy (MTDPS4A). Also called: ALPERS PROGRESSIVE INFANTILE POLIODYSTROPHY; ALPERS DIFFUSE DEGENERATION OF CEREBRAL GRAY MATTER WITH HEPATIC CIRRHOSIS; Alpers-Huttenlocher Syndrome; NEURONAL DEGENERATION OF CHILDHOOD WITH LIVER DISEASE, PROGRESSIVE; Alpers Syndrome; Mitochondrial DNA Depletion Syndrome 4A. Identifiers: Orphanet 726, MedGen C0205710, MONDO:0008758, OMIM 203700.

Allele frequency attached by ClinVar (database versions not stated): gnomAD exomes below 0.00001.
gnomAD v4.1: 1 of 1,610,458 alleles (0.000062%); highest among the groups gnomAD compares: Non-Finnish European, 0.000085%; no homozygotes.

Submission:

Labcorp Genetics (formerly Invitae), Labcorp
Classification: Uncertain significance for Progressive sclerosing poliodystrophy. Last evaluated: 2022-07-11. Review status: criteria provided, single submitter. Criteria: Invitae Variant Classification Sherloc (09022015). Collection method: clinical testing. Allele origin: germline.
Comment: Algorithms developed to predict the effect of missense changes on protein structure and function are either unavailable or do not agree on the potential impact of this missense change (SIFT: "Deleterious"; PolyPhen-2: "Probably Damaging"; Align-GVGD: "Class C0"). In summary, the available evidence is currently insufficient to determine the role of this variant in disease. Therefore, it has been classified as a Variant of Uncertain Significance. ClinVar contains an entry for this variant (Variation ID: 1019302). This variant has not been reported in the literature in individuals affected with POLG-related conditions. The frequency data for this variant in the population databases is considered unreliable, as metrics indicate poor data quality at this position in the gnomAD database. This sequence change replaces arginine, which is basic and polar, with cysteine, which is neutral and slightly polar, at codon 102 of the POLG protein (p.Arg102Cys).

NM_002693.3(POLG):c.304C>T (p.Arg102Cys)

Genes: POLG (DNA polymerase gamma, catalytic subunit; minus strand), POLGARF (POLG alternative reading frame; minus strand). Cytogenetic location: 15q26.1.
Variant type: single nucleotide variant.
Coding change: c.304C>T on transcript NM_002693.3 (MANE Select); coding-DNA position 304, C replaced by T.
Protein change: p.Arg102Cys; replaces arginine 102 with cysteine.
Molecular consequence: missense variant.
Genome position (GRCh38, 1-based): chr15:89,333,451, G>A on the plus strand (C>T on the coding strand, the complement: POLG is on the minus strand). VCF-style: chr15-89333451-G-A. GRCh37 (hg19) VCF-style: chr15-89876682-G-A.
Other names: c.304C>T, p.Arg102Cys (NM_001126131.2); short protein forms R102C.
Identifiers: ClinVar variation 1019302 (VCV001019302.9), dbSNP rs1328607569, ClinGen allele CA393772903.